The following is an entry in ClinVar:

NM_000257.4(MYH7):c.2236C>T (p.Leu746Phe)

Gene: MYH7 (myosin heavy chain 7; minus strand). Cytogenetic location: 14q11.2.
Variant type: single nucleotide variant.
Coding change: c.2236C>T on transcript NM_000257.4 (MANE Select); coding-DNA position 2236, C replaced by T.
Protein change: p.Leu746Phe; replaces leucine 746 with phenylalanine.
Molecular consequence: missense variant.
Genome position (GRCh38, 1-based): chr14:23,425,745, G>A on the plus strand (C>T on the coding strand, the complement: MYH7 is on the minus strand). VCF-style: chr14-23425745-G-A. GRCh37 (hg19) VCF-style: chr14-23894954-G-A.
Other names: c.2236C>T, p.Leu746Phe (NM_001407004.1); short protein forms L746F.
Identifiers: ClinVar variation 2789028 (VCV002789028.3), dbSNP rs2502288138, ClinGen allele CA389048853.

ClinVar aggregate classification (germline): Uncertain significance (1 of 4 stars; one submission).

Conditions:
Hypertrophic cardiomyopathy. Also called: HYPERTROPHIC MYOCARDIOPATHY. Identifiers: Orphanet 217569, MedGen C0007194, MeSH D002312, MONDO:0005045, HP:0001639.

Submission:

Labcorp Genetics (formerly Invitae), Labcorp
Classification: Uncertain significance for Hypertrophic cardiomyopathy. Last evaluated: 2023-04-23. Review status: criteria provided, single submitter. Criteria: Invitae Variant Classification Sherloc (09022015). Collection method: clinical testing. Allele origin: germline.
Comment: In summary, the available evidence is currently insufficient to determine the role of this variant in disease. Therefore, it has been classified as a Variant of Uncertain Significance. Advanced modeling of protein sequence and biophysical properties (such as structural, functional, and spatial information, amino acid conservation, physicochemical variation, residue mobility, and thermodynamic stability) performed at Invitae indicates that this missense variant is expected to disrupt MYH7 protein function. This variant has not been reported in the literature in individuals affected with MYH7-related conditions. This variant is not present in population databases (gnomAD no frequency). This sequence change replaces leucine, which is neutral and non-polar, with phenylalanine, which is neutral and non-polar, at codon 746 of the MYH7 protein (p.Leu746Phe).